The following is an entry in ClinVar:

NM_003664.5(AP3B1):c.2759G>A (p.Gly920Glu)

Gene: AP3B1 (adaptor related protein complex 3 subunit beta 1; minus strand). Cytogenetic location: 5q14.1.
Variant type: single nucleotide variant.
Coding change: c.2759G>A on transcript NM_003664.5 (MANE Select); coding-DNA position 2759, G replaced by A.
Protein change: p.Gly920Glu; replaces glycine 920 with glutamic acid.
Molecular consequence: missense variant.
Genome position (GRCh38, 1-based): chr5:78,039,093, C>T on the plus strand (G>A on the coding strand, the complement: AP3B1 is on the minus strand). VCF-style: chr5-78039093-C-T. GRCh37 (hg19) VCF-style: chr5-77334917-C-T.
Other names: c.2612G>A, p.Gly871Glu (NM_001271769.2); short protein forms G871E, G920E.
Identifiers: ClinVar variation 1948350 (VCV001948350.5), dbSNP rs2530812229, ClinGen allele CA360331944.
Genomic context (GRCh38, chr5:78,039,093, plus strand): 5'-TAATATTTACCTATTGGATTAAAAACATGCATTTTCATGCCTATAGGAAGTTTTTTTTCC[C>T]CTATGTGGATATTTTCTATCTTTCGATCAGTAGTGTTATTCAGTGTTATTTGTATAGAGA-3'
Protein context (NP_003655.3, residues 910-930): TDRKIENIHI[Gly920Glu]EKKLPIGMKM

ClinVar aggregate classification (germline): Uncertain significance (1 of 4 stars; one submission).

Conditions:
Hermansky-Pudlak syndrome 2 (HPS2). Also called: Platelet defects and oculocutaneous albinism. Identifiers: Orphanet 183678, Orphanet 79430, MedGen C1842362, MONDO:0011997, OMIM 608233.

Submission:

Labcorp Genetics (formerly Invitae), Labcorp
Classification: Uncertain significance for Hermansky-Pudlak syndrome 2. Last evaluated: 2022-06-19. Review status: criteria provided, single submitter. Criteria: Invitae Variant Classification Sherloc (09022015). Collection method: clinical testing. Allele origin: germline.
Comment: This sequence change replaces glycine, which is neutral and non-polar, with glutamic acid, which is acidic and polar, at codon 920 of the AP3B1 protein (p.Gly920Glu). This variant is not present in population databases (gnomAD no frequency). This variant has not been reported in the literature in individuals affected with AP3B1-related conditions. Algorithms developed to predict the effect of missense changes on protein structure and function output the following: SIFT: "Tolerated"; PolyPhen-2: "Probably Damaging"; Align-GVGD: "Class C0". The glutamic acid amino acid residue is found in multiple mammalian species, which suggests that this missense change does not adversely affect protein function. In summary, the available evidence is currently insufficient to determine the role of this variant in disease. Therefore, it has been classified as a Variant of Uncertain Significance.